The following is an entry in ClinVar:

ClinVar aggregate classification (germline): Uncertain significance (1 of 4 stars; one submission).

Conditions:
Cardiovascular phenotype. Identifiers: MedGen CN230736.

Submission:

Ambry Genetics
Classification: Uncertain significance for Cardiovascular phenotype. Last evaluated: 2026-05-14. Review status: criteria provided, single submitter. Criteria: Ambry Variant Classification Scheme 2023. Collection method: clinical testing. Allele origin: germline.
Comment: The p.R3309C variant (also known as c.9925C>T), located in coding exon 2 of the ZNF469 gene, results from a C to T substitution at nucleotide position 9925. The arginine at codon 3309 is replaced by cysteine, an amino acid with highly dissimilar properties. This amino acid position is conserved. In addition, this alteration is predicted to be tolerated by in silico analysis. Based on the available evidence, the clinical significance of this variant remains unclear.

NM_001367624.2(ZNF469):c.10009C>T (p.Arg3337Cys)

Genes: ZNF469 (zinc finger protein 469; plus strand), LOC130059719 (ATAC-STARR-seq lymphoblastoid silent region 7848; plus strand). Cytogenetic location: 16q24.2.
Variant type: single nucleotide variant.
Coding change: c.10009C>T on transcript NM_001367624.2 (MANE Select); coding-DNA position 10009, C replaced by T.
Protein change: p.Arg3337Cys; replaces arginine 3337 with cysteine.
Molecular consequence: missense variant.
Genome position (GRCh38, 1-based): chr16:88,437,479, C>T. VCF-style: chr16-88437479-C-T. GRCh37 (hg19) VCF-style: chr16-88503887-C-T.
Other names: NM_001127464.1:c.9925C>T; short protein forms R3337C.
Identifiers: ClinVar variation 4867012 (VCV004867012.1).